The following is an entry in ClinVar:

ClinVar aggregate classification (germline): Uncertain significance. Review status: criteria provided, multiple submitters, no conflicts (2 of 4 stars). 2 submissions from 2 submitters: Uncertain significance (2). Last evaluated 2026-02-24.

Conditions:
Dilated cardiomyopathy 1DD (CMD1DD). Identifiers: Orphanet 154, MedGen C2750995, MONDO:0013168, OMIM 613172.

gnomAD v4.1: 1 of 1,550,142 alleles (0.000065%); no homozygotes.

Submissions (2):

GeneDx
Classification: Uncertain significance. Last evaluated: 2026-02-24. Review status: criteria provided, single submitter. Criteria: GeneDx Variant Classification Process June 2021. Collection method: clinical testing. Allele origin: germline.
Comment: Not observed at significant frequency in large population cohorts (gnomAD); In silico analysis supports that this missense variant does not alter protein structure/function; Has not been previously published as pathogenic or benign to our knowledge; In silico analysis suggests this variant may impact gene splicing. In the absence of RNA/functional studies, the actual effect of this sequence change is unknown.

Labcorp Genetics (formerly Invitae), Labcorp
Classification: Uncertain significance for Dilated cardiomyopathy 1DD. Last evaluated: 2022-07-05. Review status: criteria provided, single submitter. Criteria: Invitae Variant Classification Sherloc (09022015). Collection method: clinical testing. Allele origin: germline.
Comment: In summary, the available evidence is currently insufficient to determine the role of this variant in disease. Therefore, it has been classified as a Variant of Uncertain Significance. Algorithms developed to predict the effect of sequence changes on RNA splicing suggest that this variant may disrupt the consensus splice site. Advanced modeling of protein sequence and biophysical properties (such as structural, functional, and spatial information, amino acid conservation, physicochemical variation, residue mobility, and thermodynamic stability) performed at Invitae indicates that this missense variant is not expected to disrupt RBM20 protein function. ClinVar contains an entry for this variant (Variation ID: 834395). This variant has not been reported in the literature in individuals affected with RBM20-related conditions. This variant is not present in population databases (gnomAD no frequency). This sequence change replaces serine, which is neutral and polar, with glycine, which is neutral and non-polar, at codon 88 of the RBM20 protein (p.Ser88Gly).

NM_001134363.3(RBM20):c.262A>G (p.Ser88Gly)

Gene: RBM20 (RNA binding motif protein 20; plus strand). Cytogenetic location: 10q25.2.
Variant type: single nucleotide variant.
Coding change: c.262A>G on transcript NM_001134363.3 (MANE Select); coding-DNA position 262, A replaced by G.
Protein change: p.Ser88Gly; replaces serine 88 with glycine.
Molecular consequence: missense variant.
Genome position (GRCh38, 1-based): chr10:110,780,871, A>G. VCF-style: chr10-110780871-A-G. GRCh37 (hg19) VCF-style: chr10-112540629-A-G.
Other names: c.262A>G (NM_001134363.1); short protein forms S88G.
Identifiers: ClinVar variation 834395 (VCV000834395.10), dbSNP rs1844329109, ClinGen allele CA378379257.